The following is an entry in ClinVar:

ClinVar aggregate classification (germline): Uncertain significance. Review status: criteria provided, multiple submitters, no conflicts (2 of 4 stars). 4 submissions from 4 submitters: Uncertain significance (4). Last evaluated 2025-02-19.

Conditions:
Hereditary cancer-predisposing syndrome. Also called: Tumor predisposition; Hereditary neoplastic syndrome; Neoplastic Syndromes, Hereditary; Hereditary Cancer Syndrome. Identifiers: Orphanet 140162, MedGen C0027672, MeSH D009386, MONDO:0015356.
Ataxia-telangiectasia syndrome (AT). Also called: Ataxia-telangiectasia, complementation group D; AT, COMPLEMENTATION GROUP C; ATAXIA-TELANGIECTASIA, COMPLEMENTATION GROUP A; ATAXIA-TELANGIECTASIA, FRESNO VARIANT; Ataxia-telangiectasia; LOUIS-BAR SYNDROME. Identifiers: Orphanet 100, MedGen C0004135, MONDO:0008840, OMIM 208900.

gnomAD v4.1: 2 of 1,589,646 alleles (0.00013%); highest among the groups gnomAD compares: Admixed American, 0.0017%; no homozygotes.

Submissions (4):

Labcorp Genetics (formerly Invitae), Labcorp
Classification: Uncertain significance for Ataxia-telangiectasia syndrome. Last evaluated: 2025-02-19. Review status: criteria provided, single submitter. Criteria: Invitae Variant Classification Sherloc (09022015). Collection method: clinical testing. Allele origin: germline.
Comment: This sequence change replaces lysine, which is basic and polar, with threonine, which is neutral and polar, at codon 2148 of the ATM protein (p.Lys2148Thr). This variant is present in population databases (rs730881382, gnomAD 0.003%). This variant has not been reported in the literature in individuals affected with ATM-related conditions. ClinVar contains an entry for this variant (Variation ID: 642444). Invitae Evidence Modeling of protein sequence and biophysical properties (such as structural, functional, and spatial information, amino acid conservation, physicochemical variation, residue mobility, and thermodynamic stability) indicates that this missense variant is not expected to disrupt ATM protein function with a negative predictive value of 95%. In summary, the available evidence is currently insufficient to determine the role of this variant in disease. Therefore, it has been classified as a Variant of Uncertain Significance.

Quest Diagnostics Nichols Institute San Juan Capistrano
Classification: Uncertain significance. Last evaluated: 2025-02-05. Review status: criteria provided, single submitter. Criteria: Quest Diagnostics criteria. Collection method: clinical testing. Allele origin: unknown.

Ambry Genetics
Classification: Uncertain significance for Hereditary cancer-predisposing syndrome. Last evaluated: 2024-03-16. Review status: criteria provided, single submitter. Criteria: Ambry Variant Classification Scheme 2023. Collection method: clinical testing. Allele origin: germline.
Comment: The p.K2148T variant (also known as c.6443A>C), located in coding exon 43 of the ATM gene, results from an A to C substitution at nucleotide position 6443. The lysine at codon 2148 is replaced by threonine, an amino acid with similar properties. This amino acid position is conserved. In addition, the in silico prediction for this alteration is inconclusive. Since supporting evidence is limited at this time, the clinical significance of this alteration remains unclear.

Color Diagnostics, LLC DBA Color Health
Classification: Uncertain significance for Hereditary cancer-predisposing syndrome. Last evaluated: 2024-03-06. Review status: criteria provided, single submitter. Criteria: ACMG Guidelines, 2015. Collection method: clinical testing. Allele origin: germline.
Comment: This missense variant replaces lysine with threonine at codon 2148 of the ATM protein. Computational prediction suggests that this variant may not impact protein structure and function (internally defined REVEL score threshold <= 0.5, PMID: 27666373). To our knowledge, functional studies have not been reported for this variant. This variant has not been reported in individuals affected with ATM-related disorders in the literature. This variant has been identified in 1/249052 chromosomes in the general population by the Genome Aggregation Database (gnomAD). The available evidence is insufficient to determine the role of this variant in disease conclusively. Therefore, this variant is classified as a Variant of Uncertain Significance.

NM_000051.4(ATM):c.6443A>C (p.Lys2148Thr)

Genes: C11orf65 (chromosome 11 open reading frame 65; minus strand), ATM (ATM serine/threonine kinase; plus strand). Cytogenetic location: 11q22.3.
Variant type: single nucleotide variant.
Coding change: c.6443A>C on transcript NM_000051.4 (MANE Select); coding-DNA position 6443, A replaced by C.
Protein change: p.Lys2148Thr; replaces lysine 2148 with threonine.
Molecular consequence: missense variant. On other transcripts: intron variant (2).
Genome position (GRCh38, 1-based): chr11:108,320,049, A>C. VCF-style: chr11-108320049-A-C. GRCh37 (hg19) VCF-style: chr11-108190776-A-C.
Other names: c.6443A>C, p.Lys2148Thr (NM_001351834.2); c.641-10978T>G (NM_001330368.2); c.*39-10978T>G (NM_001351110.2); short protein forms K2148T.
Identifiers: ClinVar variation 642444 (VCV000642444.15), dbSNP rs730881382, ClinGen allele CA6265936.